The following is an entry in ClinVar:

NM_000295.5(SERPINA1):c.618T>C (p.Phe206=)

Gene: SERPINA1 (serpin family A member 1; minus strand). Cytogenetic location: 14q32.13.
Variant type: single nucleotide variant.
Coding change: c.618T>C on transcript NM_000295.5 (MANE Select); coding-DNA position 618, T replaced by C.
Protein change: p.Phe206=; no amino-acid change (phenylalanine 206 retained).
Molecular consequence: synonymous variant.
Genome position (GRCh38, 1-based): chr14:94,382,620, A>G on the plus strand (T>C on the coding strand, the complement: SERPINA1 is on the minus strand). VCF-style: chr14-94382620-A-G. GRCh37 (hg19) VCF-style: chr14-94848957-A-G.
Other names: c.618T>C (NM_000295.4); c.618T>C, p.Phe206= (NM_001002235.3, NM_001002236.3, NM_001127700.2 and 7 more transcripts).
Identifiers: ClinVar variation 2860607 (VCV002860607.4), dbSNP rs2504774452, ClinGen allele CA487621878.

ClinVar aggregate classification (germline): Likely benign. Review status: criteria provided, multiple submitters, no conflicts (2 of 4 stars). 2 submissions from 2 submitters: Likely benign (2). Last evaluated 2026-08-20.

Conditions:
SERPINA1-related disorder. Also called: SerpinA1-related disorders; SERPINA1-related condition.
Alpha-1-antitrypsin deficiency (A1ATD). Also called: Alpha1-Antitrypsin Deficiency; AAT deficiency; A1AT deficiency. Identifiers: Orphanet 60, MedGen C0221757, MONDO:0013282, OMIM 613490.

Submissions (2):

PreventionGenetics, part of Exact Sciences
Classification: Likely benign for SERPINA1-related condition. Last evaluated: 2026-08-20. Review status: criteria provided, single submitter. Criteria: ACMG Guidelines, 2015. Collection method: clinical testing. Allele origin: germline.
Comment: This variant is classified as likely benign based on ACMG/AMP sequence variant interpretation guidelines (Richards et al. 2015 PMID: 25741868, with internal and published modifications).

Labcorp Genetics (formerly Invitae), Labcorp
Classification: Likely benign for Alpha-1-antitrypsin deficiency. Last evaluated: 2023-04-29. Review status: criteria provided, single submitter. Criteria: Invitae Variant Classification Sherloc (09022015). Collection method: clinical testing. Allele origin: germline.